The following is an entry in ClinVar:

ClinVar aggregate classification (germline): Uncertain significance. Review status: criteria provided, multiple submitters, no conflicts (2 of 4 stars). 4 submissions from 4 submitters: Uncertain significance (4). Last evaluated 2025-01-14.

Conditions:
Bardet-Biedl syndrome (BBS). Identifiers: Orphanet 110, MedGen C0752166, MONDO:0015229.
Bardet-Biedl syndrome 7 (BBS7). Identifiers: Orphanet 110, MedGen C1859565, MONDO:0014435, OMIM 615984.
BBS7-related disorder. Also called: BBS7-related condition.

Allele frequency attached by ClinVar (database versions not stated): TOPMed 0.00002; gnomAD exomes below 0.00001 and 0.00001; gnomAD 0.00001.
gnomAD v4.1: 3 of 1,613,890 alleles (0.00019%); highest among the groups gnomAD compares: Admixed American, 0.005%; no homozygotes.

Submissions (4):

PreventionGenetics, part of Exact Sciences
Classification: Uncertain significance for BBS7-related condition. Last evaluated: 2025-01-14. Review status: criteria provided, single submitter. Criteria: ACMG Guidelines, 2015. Collection method: clinical testing. Allele origin: germline.
Comment: The BBS7 c.895A>G variant is predicted to result in the amino acid substitution p.Lys299Glu. To our knowledge, this variant has not been reported in the literature. This variant is reported in 0.0085% of alleles in individuals of Latino descent in gnomAD. At this time, the clinical significance of this variant is uncertain due to the absence of conclusive functional and genetic evidence.

Fulgent Genetics
Classification: Uncertain significance for Bardet-Biedl syndrome 7. Last evaluated: 2024-05-30. Review status: criteria provided, single submitter. Criteria: ACMG Guidelines, 2015. Collection method: clinical testing. Allele origin: germline.

Labcorp Genetics (formerly Invitae), Labcorp
Classification: Uncertain significance for Bardet-Biedl syndrome. Last evaluated: 2022-03-11. Review status: criteria provided, single submitter. Criteria: Invitae Variant Classification Sherloc (09022015). Collection method: clinical testing. Allele origin: germline.
Comment: This sequence change replaces lysine, which is basic and polar, with glutamic acid, which is acidic and polar, at codon 299 of the BBS7 protein (p.Lys299Glu). This variant is present in population databases (no rsID available, gnomAD 0.009%). This variant has not been reported in the literature in individuals affected with BBS7-related conditions. ClinVar contains an entry for this variant (Variation ID: 1005653). Algorithms developed to predict the effect of missense changes on protein structure and function (SIFT, PolyPhen-2, Align-GVGD) all suggest that this variant is likely to be tolerated. In summary, the available evidence is currently insufficient to determine the role of this variant in disease. Therefore, it has been classified as a Variant of Uncertain Significance.

Blueprint Genetics
Classification: Uncertain significance. Last evaluated: 2018-07-28. Review status: criteria provided, single submitter. Criteria: ACMG Guidelines, 2015. Collection method: clinical testing. Allele origin: germline.

NM_176824.3(BBS7):c.895A>G (p.Lys299Glu)

Gene: BBS7 (Bardet-Biedl syndrome 7; minus strand). Cytogenetic location: 4q27.
Variant type: single nucleotide variant.
Coding change: c.895A>G on transcript NM_176824.3 (MANE Select); coding-DNA position 895, A replaced by G.
Protein change: p.Lys299Glu; replaces lysine 299 with glutamic acid.
Molecular consequence: missense variant.
Genome position (GRCh38, 1-based): chr4:121,848,883, T>C on the plus strand (A>G on the coding strand, the complement: BBS7 is on the minus strand). VCF-style: chr4-121848883-T-C. GRCh37 (hg19) VCF-style: chr4-122770038-T-C.
Other names: c.895A>G (NM_176824.2); c.895A>G, p.Lys299Glu (NM_018190.4); short protein forms K299E.
Identifiers: ClinVar variation 1005653 (VCV001005653.6), dbSNP rs1275186434, ClinGen allele CA358063434.